The following is an entry in ClinVar:

ClinVar aggregate classification (germline): Uncertain significance (1 of 4 stars; one submission).

gnomAD v4.1: 3 of 1,607,252 alleles (0.00019%); highest among the groups gnomAD compares: Admixed American, 0.005%; no homozygotes.

Submission:

GeneDx
Classification: Uncertain significance. Last evaluated: 2023-06-13. Review status: criteria provided, single submitter. Criteria: GeneDx Variant Classification Process June 2021. Collection method: clinical testing. Allele origin: germline. Affected: yes.
Comment: Not observed at significant frequency in large population cohorts (gnomAD); In silico analysis supports that this missense variant has a deleterious effect on protein structure/function; Has not been previously published as pathogenic or benign to our knowledge

NM_020971.3(SPTBN4):c.5725C>T (p.His1909Tyr)

Gene: SPTBN4 (spectrin beta, non-erythrocytic 4; plus strand). Cytogenetic location: 19q13.2.
Variant type: single nucleotide variant.
Coding change: c.5725C>T on transcript NM_020971.3 (MANE Select); coding-DNA position 5725, C replaced by T.
Protein change: p.His1909Tyr; replaces histidine 1909 with tyrosine.
Molecular consequence: missense variant.
Genome position (GRCh38, 1-based): chr19:40,560,213, C>T. VCF-style: chr19-40560213-C-T. GRCh37 (hg19) VCF-style: chr19-41066119-C-T.
Other names: c.1753C>T, p.His585Tyr (NM_025213.3); short protein forms H1909Y, H585Y.
Identifiers: ClinVar variation 3359861 (VCV003359861.1).